The following is an entry in ClinVar:

ClinVar aggregate classification (germline): Uncertain significance. Review status: criteria provided, multiple submitters, no conflicts (2 of 4 stars). 2 submissions from 2 submitters: Uncertain significance (2). Last evaluated 2022-08-16.

Conditions:
Familial hemophagocytic lymphohistiocytosis 3 (FHL3). Also called: UNC13D-Related Familial Hemophagocytic Lymphohistiocytosis (UNC13D-fHLH). Identifiers: Orphanet 540, MedGen C1837174, MONDO:0012146, OMIM 608898.

Allele frequency attached by ClinVar (database versions not stated): TOPMed below 0.00001; ExAC 0.00001; gnomAD 0.00001; gnomAD exomes 0.00001 and 0.00002.

Submissions (2):

Labcorp Genetics (formerly Invitae), Labcorp
Classification: Uncertain significance for Familial hemophagocytic lymphohistiocytosis 3. Last evaluated: 2022-08-16. Review status: criteria provided, single submitter. Criteria: Invitae Variant Classification Sherloc (09022015). Collection method: clinical testing. Allele origin: germline.
Comment: This sequence change replaces arginine, which is basic and polar, with glutamine, which is neutral and polar, at codon 102 of the UNC13D protein (p.Arg102Gln). This variant is present in population databases (rs778208597, gnomAD 0.01%). This variant has not been reported in the literature in individuals affected with UNC13D-related conditions. ClinVar contains an entry for this variant (Variation ID: 1393697). Algorithms developed to predict the effect of missense changes on protein structure and function output the following: SIFT: "Not Available"; PolyPhen-2: "Benign"; Align-GVGD: "Not Available". The glutamine amino acid residue is found in multiple mammalian species, which suggests that this missense change does not adversely affect protein function. Algorithms developed to predict the effect of sequence changes on RNA splicing suggest that this variant may create or strengthen a splice site. In summary, the available evidence is currently insufficient to determine the role of this variant in disease. Therefore, it has been classified as a Variant of Uncertain Significance.

Neuberg Centre For Genomic Medicine, NCGM
Classification: Uncertain significance for Familial hemophagocytic lymphohistiocytosis 3. Review status: criteria provided, single submitter. Criteria: ACMG Guidelines, 2015. Collection method: clinical testing. Allele origin: germline. Inheritance: Autosomal recessive inheritance. Affected: yes.
Comment: The missense variant p.R102Q in UNC13D (NM_199242.3) has not been reported previously as a pathogenic variant nor as a benign variant, to our knowledge. The p.R102Q variant is observed in 2/18,326 (0.0109%) alleles from individuals of East Asian background in gnomAD Exomes and is novel (not in any individuals) in 1000 Genomes. The p.R102Q variant is not predicted to disrupt splicing by any splice site algorithm. The p.R102Q missense variant is predicted to be tolerated by both SIFT or PolyPhen2. The nucleotide c.305 in UNC13D is not conserved according to a GERP++ and PhyloP analysis of 100 vertebrates. For these reasons, this variant has been classified as Uncertain Significance.

NM_199242.3(UNC13D):c.305G>A (p.Arg102Gln)

Gene: UNC13D (unc-13 homolog D; minus strand). Cytogenetic location: 17q25.1.
Variant type: single nucleotide variant.
Coding change: c.305G>A on transcript NM_199242.3 (MANE Select); coding-DNA position 305, G replaced by A.
Protein change: p.Arg102Gln; replaces arginine 102 with glutamine.
Molecular consequence: missense variant.
Genome position (GRCh38, 1-based): chr17:75,843,030, C>T on the plus strand (G>A on the coding strand, the complement: UNC13D is on the minus strand). VCF-style: chr17-75843030-C-T. GRCh37 (hg19) VCF-style: chr17-73839111-C-T.
Other names: short protein forms R102Q.
Identifiers: ClinVar variation 1393697 (VCV001393697.5), dbSNP rs778208597, ClinGen allele CA8773535.